The following is an entry in ClinVar:

ClinVar aggregate classification (germline): Uncertain significance (1 of 4 stars; one submission).

gnomAD v4.1: 6 of 1,614,006 alleles (0.00037%); highest among the groups gnomAD compares: South Asian, 0.0033%; no homozygotes.

Submission:

Labcorp Genetics (formerly Invitae), Labcorp
Classification: Uncertain significance. Last evaluated: 2024-05-01. Review status: criteria provided, single submitter. Criteria: Invitae Variant Classification Sherloc (09022015). Collection method: clinical testing. Allele origin: germline.
Comment: This sequence change replaces histidine, which is basic and polar, with tyrosine, which is neutral and polar, at codon 637 of the FLNB protein (p.His637Tyr). This variant is not present in population databases (gnomAD no frequency). This variant has not been reported in the literature in individuals affected with FLNB-related conditions. Advanced modeling of protein sequence and biophysical properties (such as structural, functional, and spatial information, amino acid conservation, physicochemical variation, residue mobility, and thermodynamic stability) performed at Invitae indicates that this missense variant is not expected to disrupt FLNB protein function with a negative predictive value of 95%. In summary, the available evidence is currently insufficient to determine the role of this variant in disease. Therefore, it has been classified as a Variant of Uncertain Significance.

NM_001457.4(FLNB):c.1909C>T (p.His637Tyr)

Gene: FLNB (filamin B; plus strand). Cytogenetic location: 3p14.3.
Variant type: single nucleotide variant.
Coding change: c.1909C>T on transcript NM_001457.4 (MANE Select); coding-DNA position 1909, C replaced by T.
Protein change: p.His637Tyr; replaces histidine 637 with tyrosine.
Molecular consequence: missense variant.
Genome position (GRCh38, 1-based): chr3:58,106,841, C>T. VCF-style: chr3-58106841-C-T. GRCh37 (hg19) VCF-style: chr3-58092568-C-T.
Other names: c.1909C>T, p.His637Tyr (NM_001164317.2, NM_001164318.2, NM_001164319.2); short protein forms H637Y.
Identifiers: ClinVar variation 3685780 (VCV003685780.2).